The following is an entry in ClinVar:

NM_001291303.3(FAT4):c.12604+306T>C

Gene: FAT4 (FAT atypical cadherin 4; plus strand). Cytogenetic location: 4q28.1.
Variant type: single nucleotide variant.
Coding change: c.12604+306T>C on transcript NM_001291303.3 (MANE Select); 306 bases into the intron after coding-DNA position 12604, T replaced by C.
Molecular consequence: intron variant.
Genome position (GRCh38, 1-based): chr4:125,480,171, T>C. VCF-style: chr4-125480171-T-C. GRCh37 (hg19) VCF-style: chr4-126401326-T-C.
Other names: c.12604+306T>C (NM_001291285.3); c.12598+306T>C (NM_024582.6).
Identifiers: ClinVar variation 668141 (VCV000668141.1), dbSNP rs11737550, ClinGen allele CA104869546.

ClinVar aggregate classification (germline): Benign (1 of 4 stars; one submission).

Allele frequency attached by ClinVar (database versions not stated): 1000 Genomes Project 30x 0.33323; 1000 Genomes Project 0.33806; TOPMed 0.36945; gnomAD 0.38337 and 0.38701.
gnomAD v4.1: 58,258 of 151,830 alleles (38%); highest among the groups gnomAD compares: Middle Eastern, 46%; 11,212 homozygotes.

Submission:

GeneDx
Classification: Benign. Last evaluated: 2018-06-14. Review status: criteria provided, single submitter. Criteria: GeneDx Variant Classification (06012015). Collection method: clinical testing. Allele origin: germline. Affected: yes.
Comment: This variant is considered likely benign or benign based on one or more of the following criteria: it is a conservative change, it occurs at a poorly conserved position in the protein, it is predicted to be benign by multiple in silico algorithms, and/or has population frequency not consistent with disease.